The following is an entry in ClinVar:

ClinVar aggregate classification (germline): Uncertain significance (1 of 4 stars; one submission).

Conditions:
Glycine encephalopathy. Also called: Nonketotic hyperglycinemia; Non-ketotic hyperglycinemia. Identifiers: Orphanet 407, MedGen C0751748, MONDO:0011612, HP:0008288.

Allele frequency attached by ClinVar (database versions not stated): gnomAD exomes below 0.00001; TOPMed below 0.00001; ExAC 0.00002.
gnomAD v4.1: 4 of 1,613,996 alleles (0.00025%); highest among the groups gnomAD compares: South Asian, 0.0044%; no homozygotes.

Submission:

Labcorp Genetics (formerly Invitae), Labcorp
Classification: Uncertain significance for Glycine encephalopathy. Last evaluated: 2022-10-12. Review status: criteria provided, single submitter. Criteria: Invitae Variant Classification Sherloc (09022015). Collection method: clinical testing. Allele origin: germline.
Comment: This sequence change replaces glutamine, which is neutral and polar, with histidine, which is basic and polar, at codon 593 of the GLDC protein (p.Gln593His). This variant is present in population databases (rs751877218, gnomAD 0.01%). This variant has not been reported in the literature in individuals affected with GLDC-related conditions. Advanced modeling of protein sequence and biophysical properties (such as structural, functional, and spatial information, amino acid conservation, physicochemical variation, residue mobility, and thermodynamic stability) performed at Invitae indicates that this missense variant is not expected to disrupt GLDC protein function. In summary, the available evidence is currently insufficient to determine the role of this variant in disease. Therefore, it has been classified as a Variant of Uncertain Significance.

NM_000170.3(GLDC):c.1779G>C (p.Gln593His)

Gene: GLDC (glycine decarboxylase; minus strand). Cytogenetic location: 9p24.1.
Variant type: single nucleotide variant.
Coding change: c.1779G>C on transcript NM_000170.3 (MANE Select); coding-DNA position 1779, G replaced by C.
Protein change: p.Gln593His; replaces glutamine 593 with histidine.
Molecular consequence: missense variant.
Genome position (GRCh38, 1-based): chr9:6,587,212, C>G on the plus strand (G>C on the coding strand, the complement: GLDC is on the minus strand). VCF-style: chr9-6587212-C-G. GRCh37 (hg19) VCF-style: chr9-6587212-C-G.
Other names: short protein forms Q593H.
Identifiers: ClinVar variation 2198970 (VCV002198970.1), dbSNP rs751877218, ClinGen allele CA4980539.